The following is an entry in ClinVar:

ClinVar aggregate classification (germline): Pathogenic (1 of 4 stars; one submission).

Conditions:
Hereditary thrombocytopenia and hematological cancer predisposition syndrome associated with RUNX1. Also called: Familial Platelet Disorder with Propensity to Acute Myelogenous Leukemia; Familial thrombocytopenia with propensity to acute myelogenous leukemia; PLATELET DISORDER, ASPIRIN-LIKE; RUNX1 Familial Platelet Disorder with Associated Myeloid Malignancies. Identifiers: Orphanet 71290, MedGen C1832388, MeSH C563324, MONDO:0100083, OMIM 601399.

Submission:

Labcorp Genetics (formerly Invitae), Labcorp
Classification: Pathogenic for Hereditary thrombocytopenia and hematological cancer predisposition syndrome associated with RUNX1. Last evaluated: 2026-01-17. Review status: criteria provided, single submitter. Criteria: Invitae Variant Classification Sherloc (09022015). Collection method: clinical testing. Allele origin: germline.
Comment: This sequence change is expected to alter the c-terminus of the RUNX1 protein (p.Pro395Argfs*206). While this is not anticipated to result in nonsense mediated decay, it is expected to disrupt the last 86 amino acid(s) of the RUNX1 protein and extend the protein by 119 additional amino acid residues. This variant is not present in population databases (gnomAD no frequency). This variant has not been reported in the literature in individuals affected with RUNX1-related conditions. This variant disrupts a region of the RUNX1 protein in which other variant(s) (p.Tyr414*) have been determined to be pathogenic (PMID: 14504086, 15749889, 22689681, 23753029, 30600763). This suggests that this is a clinically significant region of the protein, and that variants that disrupt it are likely to be disease-causing. For these reasons, this variant has been classified as Pathogenic.

Literature cited by the submitters: PubMed 14504086; PubMed 15749889; PubMed 22689681; PubMed 23753029; PubMed 30600763.

NM_001754.5(RUNX1):c.1179_1182dup (p.Pro395fs)

Gene: RUNX1 (RUNX family transcription factor 1; minus strand). Cytogenetic location: 21q22.12.
Variant type: Duplication.
Coding change: c.1179_1182dup on transcript NM_001754.5 (MANE Select); coding-DNA positions 1179 to 1182, 4 bases duplicated (AGGC; older notation c.1179_1182dupAGGC).
Protein change: p.Pro395fs; shifts the reading frame from proline 395.
Molecular consequence: frameshift variant.
Genome position (GRCh38, 1-based): chr21:34,792,396-34,792,399, GCCT duplicated on the plus strand (AGGC on the coding strand, the reverse complement: RUNX1 is on the minus strand). VCF-style (leftmost placement, unchanged base first): chr21-34792395-G-GGCCT. GRCh37 (hg19) VCF-style: chr21-36164692-G-GGCCT.
Other names: c.1098_1101dup, p.Pro368fs (NM_001001890.3); short protein forms P368fs, P395fs.
Identifiers: ClinVar variation 4734845 (VCV004734845.1).